The following is an entry in ClinVar:

ClinVar aggregate classification (germline): Benign/Likely benign. Review status: criteria provided, multiple submitters, no conflicts (2 of 4 stars). 5 submissions from 5 submitters: Benign (3); Likely benign (2). Last evaluated 2026-07-01.

Allele frequency attached by ClinVar (database versions not stated): gnomAD exomes 0.00224 and 0.00538; ExAC 0.00597; gnomAD 0.00827 and 0.00844; ESP Exome Variant Server 0.00869; TOPMed 0.00929; 1000 Genomes Project 30x 0.01577; 1000 Genomes Project 0.01637.
gnomAD v4.1: 4,663 of 1,614,130 alleles (0.29%); highest among the groups gnomAD compares: African/African-American, 2.5%; 47 homozygotes.

Submissions (5):

CeGaT Center for Human Genetics Tuebingen
Classification: Benign. Last evaluated: 2026-07-01. Review status: criteria provided, single submitter. Criteria: CeGaT Center For Human Genetics Tuebingen Variant Classification Criteria Version 2. Collection method: clinical testing. Allele origin: germline. Affected: yes. Observed: 1 variant allele.
Comment: OAS1: BP4, BS1, BS2

Labcorp Genetics (formerly Invitae), Labcorp
Classification: Benign. Last evaluated: 2026-02-01. Review status: criteria provided, single submitter. Criteria: Invitae Variant Classification Sherloc (09022015). Collection method: clinical testing. Allele origin: germline.

Women's Health and Genetics/Laboratory Corporation of America, LabCorp
Classification: Likely benign. Last evaluated: 2026-01-22. Review status: criteria provided, single submitter. Criteria: LabCorp Variant Classification Summary - May 2015. Collection method: clinical testing. Allele origin: germline.

Mayo Clinic Laboratories, Mayo Clinic
Classification: Likely benign. Last evaluated: 2025-06-10. Review status: criteria provided, single submitter. Criteria: ACMG Guidelines, 2015. Collection method: clinical testing. Allele origin: germline. Observed: 1 variant allele.
Comment: BS1, BP4_moderate

Breakthrough Genomics
Classification: Benign. Review status: criteria provided, single submitter. Criteria: ACMG Guidelines, 2015. Collection method: not provided. Allele origin: germline. Inheritance: Autosomal dominant inheritance. Affected: yes.

NM_016816.4(OAS1):c.725G>A (p.Arg242Gln)

Gene: OAS1 (2'-5'-oligoadenylate synthetase 1; plus strand). Cytogenetic location: 12q24.13.
Variant type: single nucleotide variant.
Coding change: c.725G>A on transcript NM_016816.4 (MANE Select); coding-DNA position 725, G replaced by A.
Protein change: p.Arg242Gln; replaces arginine 242 with glutamine.
Molecular consequence: missense variant.
Genome position (GRCh38, 1-based): chr12:112,916,579, G>A. VCF-style: chr12-112916579-G-A. GRCh37 (hg19) VCF-style: chr12-113354384-G-A.
Other names: p.Arg242Gln; c.725G>A, p.Arg242Gln (NM_001032409.3, NM_001320151.2, NM_002534.4); short protein forms R242Q.
Identifiers: ClinVar variation 790126 (VCV000790126.15), dbSNP rs56006713, ClinGen allele CA6799878.
Genomic context (GRCh38, chr12:112,916,579, plus strand): 5'-AGCTTGGGAAGCTGCCACCTCAGTATGCCCTGGAGCTCCTGACGGTCTATGCTTGGGAGC[G>A]AGGGAGCATGAAAACACATTTCAACACAGCCCAGGGATTTCGGACGGTCTTGGAATTAGT-3'
Protein context (NP_058132.2, residues 232-252): LELLTVYAWE[Arg242Gln]GSMKTHFNTA